The following is an entry in ClinVar:

NM_001913.5(CUX1):c.1763G>A (p.Arg588Gln)

Gene: CUX1 (cut like homeobox 1; plus strand). Cytogenetic location: 7q22.1.
Variant type: single nucleotide variant.
Coding change: c.1763G>A on transcript NM_001913.5 (MANE Plus Clinical); coding-DNA position 1763, G replaced by A.
Protein change: p.Arg588Gln; replaces arginine 588 with glutamine.
Molecular consequence: missense variant.
Genome position (GRCh38, 1-based): chr7:102,280,119, G>A. VCF-style: chr7-102280119-G-A. GRCh37 (hg19) VCF-style: chr7-101923411-G-A.
Other names: c.1715G>A, p.Arg572Gln (NM_001202544.3); c.1625G>A, p.Arg542Gln (NM_001202545.3); c.1646G>A, p.Arg549Gln (NM_001202546.3); c.1757G>A, p.Arg586Gln (NM_181500.4); short protein forms R542Q, R549Q, R572Q, R586Q, R588Q.
Identifiers: ClinVar variation 4871931 (VCV004871931.2).
Genomic context (GRCh38, chr7:102,280,119, plus strand): 5'-AGCTGCGGTACTCGTCCCAGTACGAGGAGCGCCTGGACCCCTTCTCCTCCTTCAGCAAGC[G>A]GGTTCGTGAGCCCAGCCTGGGCAGGGGAGGGGAGGGGCATCAGCCCAGGGAAGCCCAGGG-3'
Protein context (NP_001904.2, residues 578-598): RLDPFSSFSK[Arg588Gln]ERQRKYLSLS

ClinVar aggregate classification (germline): Likely benign (1 of 4 stars; one submission).

gnomAD v4.1: 69 of 1,605,262 alleles (0.0043%); highest among the groups gnomAD compares: South Asian, 0.035%; 1 homozygote.

Submission:

CeGaT Center for Human Genetics Tuebingen
Classification: Likely benign. Last evaluated: 2026-04-01. Review status: criteria provided, single submitter. Criteria: CeGaT Center For Human Genetics Tuebingen Variant Classification Criteria Version 2. Collection method: clinical testing. Allele origin: germline. Affected: yes. Observed: 1 variant allele.
Comment: CUX1: BP4, BS1